The following is an entry in ClinVar:

NM_006086.4(TUBB3):c.844C>G (p.Arg282Gly)

Gene: TUBB3 (tubulin beta 3 class III; plus strand). Cytogenetic location: 16q24.3.
Variant type: single nucleotide variant.
Coding change: c.844C>G on transcript NM_006086.4 (MANE Select); coding-DNA position 844, C replaced by G.
Protein change: p.Arg282Gly; replaces arginine 282 with glycine.
Molecular consequence: missense variant.
Genome position (GRCh38, 1-based): chr16:89,935,295, C>G. VCF-style: chr16-89935295-C-G. GRCh37 (hg19) VCF-style: chr16-90001703-C-G.
Other names: c.628C>G, p.Arg210Gly (NM_001197181.2); short protein forms R210G, R282G.
Identifiers: ClinVar variation 2629824 (VCV002629824.3), dbSNP rs2030416703, ClinGen allele CA397475536.

ClinVar aggregate classification (germline): Likely pathogenic (0 of 4 stars; one submission).

Conditions:
TUBB3-related disorder. Also called: TUBB3-related condition; TUBB3-related disorders.

Submission:

PreventionGenetics, part of Exact Sciences
Classification: Likely pathogenic for TUBB3-related condition. Last evaluated: 2023-11-18. Review status: no assertion criteria provided. Collection method: clinical testing. Allele origin: germline.
Comment: The TUBB3 c.844C>G variant is predicted to result in the amino acid substitution p.Arg282Gly. To our knowledge, this variant has not been reported in the literature or in a large population database, indicating this variant is rare. This variant is interpreted as likely pathogenic.